The following is an entry in ClinVar:

NM_004588.5(SCN2B):c.83G>A (p.Arg28Gln)

Gene: SCN2B (sodium voltage-gated channel beta subunit 2; minus strand). Cytogenetic location: 11q23.3.
Variant type: single nucleotide variant.
Coding change: c.83G>A on transcript NM_004588.5 (MANE Select); coding-DNA position 83, G replaced by A.
Protein change: p.Arg28Gln; replaces arginine 28 with glutamine.
Molecular consequence: missense variant.
Genome position (GRCh38, 1-based): chr11:118,168,739, C>T on the plus strand (G>A on the coding strand, the complement: SCN2B is on the minus strand). VCF-style: chr11-118168739-C-T. GRCh37 (hg19) VCF-style: chr11-118039454-C-T.
Other names: short protein forms R28Q.
Identifiers: ClinVar variation 60770 (VCV000060770.10), dbSNP rs72544145, ClinGen allele CA214437.
Genomic context (GRCh38, chr11:118,168,739, plus strand): 5'-AGGCGGGCGTCAGAGCCATTGAGGACGTTGAGGGTGGCAGGTACTGTGACCTCCATGCTC[C>T]GTCCTGGTGGCACTGCAGATGAAGCCACAAGCTGGTGAGGAGTCTGGCTGAAAGGGCTGG-3'
Protein context (NP_004579.1, residues 18-38): SLFFSLVPPG[Arg28Gln]SMEVTVPATL

ClinVar aggregate classification (germline): Conflicting classifications of pathogenicity. Review status: criteria provided, conflicting classifications (1 of 4 stars). 5 submissions from 5 submitters: Pathogenic (1); Likely pathogenic (1); Uncertain significance (1); Likely benign (1). 1 of the submissions does not count toward it. Last evaluated 2024-06-16.

Conditions:
SCN2B-related disorder. Also called: SCN2B-related condition.
Atrial fibrillation, familial, 14 (ATFB14). Identifiers: MedGen C3809312, MONDO:0014156, OMIM 615378.
Cardiovascular phenotype. Identifiers: MedGen CN230736.

Allele frequency attached by ClinVar (database versions not stated): TOPMed 0.00001; ExAC 0.00002; gnomAD 0.00002; gnomAD exomes 0.00002 and 0.00003.
gnomAD v4.1: 37 of 1,614,034 alleles (0.0023%); highest among the groups gnomAD compares: Non-Finnish European, 0.0029%; no homozygotes.

Submissions (5):

Labcorp Genetics (formerly Invitae), Labcorp
Classification: Uncertain significance for Atrial fibrillation, familial, 14. Last evaluated: 2024-06-16. Review status: criteria provided, single submitter. Criteria: Invitae Variant Classification Sherloc (09022015). Collection method: clinical testing. Allele origin: germline.
Comment: This sequence change replaces arginine, which is basic and polar, with glutamine, which is neutral and polar, at codon 28 of the SCN2B protein (p.Arg28Gln). This variant is present in population databases (rs72544145, gnomAD 0.006%). This missense change has been observed in individual(s) with atrial fibrillation (PMID: 19808477). ClinVar contains an entry for this variant (Variation ID: 60770). Algorithms developed to predict the effect of missense changes on protein structure and function output the following: SIFT: "Not Available"; PolyPhen-2: "Benign"; Align-GVGD: "Not Available". The glutamine amino acid residue is found in multiple mammalian species, which suggests that this missense change does not adversely affect protein function. Experimental studies have shown that this missense change affects SCN2B function (PMID: 19808477). In summary, the available evidence is currently insufficient to determine the role of this variant in disease. Therefore, it has been classified as a Variant of Uncertain Significance.

Ambry Genetics
Classification: Likely benign for Cardiovascular phenotype. Last evaluated: 2023-09-29. Review status: criteria provided, single submitter. Criteria: Ambry Variant Classification Scheme 2023. Collection method: clinical testing. Allele origin: germline.

Blueprint Genetics
Classification: Likely pathogenic for SCN2B-related disorders. Last evaluated: 2022-03-30. Review status: criteria provided, single submitter. Criteria: ACMG Guidelines, 2015. Collection method: clinical testing. Allele origin: germline. Affected: yes. Observed: 2 variant alleles.

Genetics and Genomic Medicine Centre, NeuroGen Healthcare, NeuroGen Healthcare
Classification: Pathogenic for Atrial fibrillation, familial, 14. Last evaluated: 2020-08-27. Review status: criteria provided, single submitter. Criteria: Submitter's publication. Collection method: clinical testing. Allele origin: unknown. Affected: no.

OMIM
Classification: Pathogenic for ATRIAL FIBRILLATION, FAMILIAL, 14. Last evaluated: 2009-06-01. Review status: no assertion criteria provided. Collection method: literature only. Allele origin: germline. Not counted in ClinVar's aggregate classification.

Literature cited by the submitters: PubMed 19808477 (cited by Labcorp Genetics (formerly Invitae), Labcorp and OMIM).